The following is an entry in ClinVar:

NM_003924.4(PHOX2B):c.730G>C (p.Ala244Pro)

Genes: PHOX2B (paired like homeobox 2B; minus strand), LOC110011216 (paired like homeobox 2b polyalanine repeat instability region; plus strand). Cytogenetic location: 4p13.
Variant type: single nucleotide variant.
Coding change: c.730G>C on transcript NM_003924.4 (MANE Select); coding-DNA position 730, G replaced by C.
Protein change: p.Ala244Pro; replaces alanine 244 with proline.
Molecular consequence: missense variant.
Genome position (GRCh38, 1-based): chr4:41,746,022, C>G on the plus strand (G>C on the coding strand, the complement: PHOX2B is on the minus strand). VCF-style: chr4-41746022-C-G. GRCh37 (hg19) VCF-style: chr4-41748039-C-G.
Other names: short protein forms A244P.
Identifiers: ClinVar variation 406409 (VCV000406409.15), dbSNP rs1060501124, ClinGen allele CA16611542.

ClinVar aggregate classification (germline): Uncertain significance. Review status: criteria provided, multiple submitters, no conflicts (2 of 4 stars). 4 submissions from 4 submitters: Uncertain significance (4). Last evaluated 2025-12-01.

Conditions:
Neuroblastoma, susceptibility to, 2. Identifiers: Orphanet 635, MedGen C2751682, MONDO:0700041, OMIM 613013.
Hereditary cancer-predisposing syndrome. Also called: Hereditary Cancer Syndrome; Hereditary neoplastic syndrome; Neoplastic Syndromes, Hereditary; Tumor predisposition. Identifiers: Orphanet 140162, MedGen C0027672, MeSH D009386, MONDO:0015356.
Haddad syndrome (OHD). Also called: Ondine-Hirschsprung disease. Identifiers: Orphanet 99803, MedGen C1859049, MONDO:0020493.

Allele frequency attached by ClinVar (database versions not stated): gnomAD exomes below 0.00001; gnomAD 0.00001; TOPMed 0.00001.

Submissions (4):

Labcorp Genetics (formerly Invitae), Labcorp
Classification: Uncertain significance for Haddad syndrome. Last evaluated: 2025-12-01. Review status: criteria provided, single submitter. Criteria: Invitae Variant Classification Sherloc (09022015). Collection method: clinical testing. Allele origin: germline.
Comment: This sequence change replaces alanine, which is neutral and non-polar, with proline, which is neutral and non-polar, at codon 244 of the PHOX2B protein (p.Ala244Pro). This variant is not present in population databases (gnomAD no frequency). This variant has not been reported in the literature in individuals affected with PHOX2B-related conditions. ClinVar contains an entry for this variant (Variation ID: 406409). Invitae Evidence Modeling of protein sequence and biophysical properties (such as structural, functional, and spatial information, amino acid conservation, physicochemical variation, residue mobility, and thermodynamic stability) indicates that this missense variant is not expected to disrupt PHOX2B protein function with a negative predictive value of 80%. In summary, the available evidence is currently insufficient to determine the role of this variant in disease. Therefore, it has been classified as a Variant of Uncertain Significance.

Ambry Genetics
Classification: Uncertain significance for Hereditary cancer-predisposing syndrome. Last evaluated: 2024-05-11. Review status: criteria provided, single submitter. Criteria: Ambry Variant Classification Scheme 2023. Collection method: clinical testing. Allele origin: germline.
Comment: The p.A244P variant (also known as c.730G>C), located in coding exon 3 of the PHOX2B gene, results from a G to C substitution at nucleotide position 730. The alanine at codon 244 is replaced by proline, an amino acid with highly similar properties. This amino acid position is conserved. In addition, the in silico prediction for this alteration is inconclusive. Since supporting evidence is limited at this time, the clinical significance of this alteration remains unclear.

GeneDx
Classification: Uncertain significance. Last evaluated: 2024-01-29. Review status: criteria provided, single submitter. Criteria: GeneDx Variant Classification Process June 2021. Collection method: clinical testing. Allele origin: germline. Affected: yes.
Comment: Not observed at significant frequency in large population cohorts (gnomAD); In silico analysis supports that this missense variant does not alter protein structure/function; Has not been previously published as pathogenic or benign to our knowledge

Baylor Genetics
Classification: Uncertain significance for Neuroblastoma, susceptibility to, 2. Last evaluated: 2023-05-26. Review status: criteria provided, single submitter. Criteria: ACMG Guidelines, 2015. Collection method: clinical testing. Allele origin: unknown.